The following is an entry in ClinVar:

NM_001370298.3(FGD4):c.1810G>T (p.Val604Phe)

Gene: FGD4 (FYVE, RhoGEF and PH domain containing 4; plus strand). Cytogenetic location: 12p11.21.
Variant type: single nucleotide variant.
Coding change: c.1810G>T on transcript NM_001370298.3 (MANE Select); coding-DNA position 1810, G replaced by T.
Protein change: p.Val604Phe; replaces valine 604 with phenylalanine.
Molecular consequence: missense variant.
Genome position (GRCh38, 1-based): chr12:32,619,758, G>T. VCF-style: chr12-32619758-G-T. GRCh37 (hg19) VCF-style: chr12-32772692-G-T.
Other names: c.1654G>T, p.Val552Phe (NM_001304481.2); c.655G>T, p.Val219Phe (NM_001304483.2); c.367G>T, p.Val123Phe (NM_001304484.2); c.1120G>T, p.Val374Phe (NM_001330373.2, NM_001330374.2, NM_001384130.1); c.847G>T, p.Val283Phe (NM_001370297.1); c.1810G>T, p.Val604Phe (NM_001384126.1); c.1399G>T, p.Val467Phe (NM_001384127.1, NM_001384128.1, NM_001385118.1 and 1 more transcripts); short protein forms V219F, V552F, V123F, V374F, V283F, V467F, V604F.
Identifiers: ClinVar variation 3667283 (VCV003667283.2).

ClinVar aggregate classification (germline): Uncertain significance (1 of 4 stars; one submission).

Conditions:
Charcot-Marie-Tooth disease type 4. Also called: Charcot-Marie-Tooth disease, type IV; Charcot-Marie-Tooth, Type 4. Identifiers: Orphanet 64749, MedGen C4082197, MONDO:0018995.

gnomAD v4.1: 2 of 1,613,986 alleles (0.00012%); highest among the groups gnomAD compares: African/African-American, 0.0027%; no homozygotes.

Submission:

Labcorp Genetics (formerly Invitae), Labcorp
Classification: Uncertain significance for Charcot-Marie-Tooth disease type 4. Last evaluated: 2025-01-30. Review status: criteria provided, single submitter. Criteria: Invitae Variant Classification Sherloc (09022015). Collection method: clinical testing. Allele origin: germline.
Comment: This sequence change replaces valine, which is neutral and non-polar, with phenylalanine, which is neutral and non-polar, at codon 467 of the FGD4 protein (p.Val467Phe). This variant is not present in population databases (gnomAD no frequency). This missense change has been observed in individual(s) with clinical features of FGD4-related conditions (internal data). Invitae Evidence Modeling of protein sequence and biophysical properties (such as structural, functional, and spatial information, amino acid conservation, physicochemical variation, residue mobility, and thermodynamic stability) indicates that this missense variant is expected to disrupt FGD4 protein function with a positive predictive value of 80%. In summary, the available evidence is currently insufficient to determine the role of this variant in disease. Therefore, it has been classified as a Variant of Uncertain Significance.